The following is an entry in ClinVar:

ClinVar aggregate classification (germline): Pathogenic (3 of 4 stars; one submission).

Conditions:
Monogenic diabetes. Identifiers: Orphanet 183625, MedGen C3888631, MONDO:0015967.

Submission:

ClinGen Monogenic Diabetes Variant Curation Expert Panel
Classification: Pathogenic for Monogenic diabetes. Last evaluated: 2022-06-15. Review status: reviewed by expert panel. Criteria: ClinGen Diabetes ACMG Specifications v1 1. Collection method: curation. Allele origin: germline. Inheritance: Autosomal dominant inheritance.
Comment: The c.1719delC variant in the HNF1 homeobox A gene, HNF1A, causes a frameshift in the protein at codon 574 of NM_000545.8, adding 86 novel amino acids before encountering a stop codon (p.(Ser574AlafsTer86)). While this variant, located in exon 9 of 10, is not predicted to result in nonsense mediated decay of the transcript, it will significantly disrupt the transactivation domain of the protein (PVS1). Additionally, this variant is absent from gnomAD v2.1.1 (PM2_Supporting). This variant was identified in an individual with a clinical history highly specific for HNF1A-MODY (MODY probability calculator result >50%, negative genetic testing for HNF4A, and sensitive to sulfonylurea) (PP4_Moderate; internal lab contributor). In summary, c.1719delC meets the criteria to be classified as pathogenic for monogenic diabetes. ACMG/AMP criteria applied, as specified by the ClinGen MDEP (specification version 1.1, approved 9/30/21): PVS1, PP4_Moderate, PM2_Supporting.

NM_000545.8(HNF1A):c.1719del (p.Ser574fs)

Gene: HNF1A (HNF1 homeobox A; plus strand). Cytogenetic location: 12q24.31.
Variant type: Deletion.
Coding change: c.1719del on transcript NM_000545.8 (MANE Select); coding-DNA position 1719, one base deleted (C; older notation c.1719delC).
Protein change: p.Ser574fs; shifts the reading frame from serine 574.
Molecular consequence: frameshift variant.
Genome position (GRCh38, 1-based): chr12:120,999,578, C deleted; the last of 2 consecutive C bases (chr12:120,999,577-120,999,578); deleting either gives the same sequence. VCF-style (leftmost placement, unchanged base first): chr12-120999576-GC-G. GRCh37 (hg19) VCF-style: chr12-121437379-GC-G.
Other names: NM_001306179.2:c.1740del; c.1740del, p.Ser581fs (NM_001306179.2); short protein forms S574fs, S581fs.
Identifiers: ClinVar variation 1693217 (VCV001693217.1), dbSNP rs2135851518, ClinGen allele CA2573051040.